The following is an entry in ClinVar:

NM_000135.4(FANCA):c.190-2_203del

Gene: FANCA (FA complementation group A; minus strand). Cytogenetic location: 16q24.3.
Variant type: Deletion.
Coding change: c.190-2_203del on transcript NM_000135.4 (MANE Select); the canonical splice acceptor site of the intron before coding-DNA position 190 through coding-DNA position 203, 16 bases deleted (AGGTAGAAGGTCCACT).
Molecular consequence: splice acceptor variant.
Genome position (GRCh38, 1-based): chr16:89,814,600-89,814,615, AGTGGACCTTCTACCT deleted on the plus strand (AGGTAGAAGGTCCACT on the coding strand, the reverse complement: FANCA is on the minus strand); deleting any 16 consecutive bases within chr16:89,814,600-89,814,617 gives the same sequence; the c. name uses the placement nearest the transcript's 3' end. VCF-style (leftmost placement, unchanged base first): chr16-89814599-CAGTGGACCTTCTACCT-C. GRCh37 (hg19) VCF-style: chr16-89881007-CAGTGGACCTTCTACCT-C.
Other names: c.190-2_203del (NM_001286167.3, NM_001351830.2, NM_001018112.3).
Identifiers: ClinVar variation 1500193 (VCV001500193.6), dbSNP rs2143711687, ClinGen allele CA2573152792.
Genomic context (GRCh38, chr16:89,814,599, plus strand): 5'-ATTAGCATAGGCCTCAGAACTGTCACAGTCAATCACTTTGCTGAGAGACAATTTTTTACA[CAGTGGACCTTCTACCT>C]AGAATCCAAAACACAACAAACTCCATTTAAAAAATTCAAGCTCCAGGCCAGGCGTAGTGG-3'

ClinVar aggregate classification (germline): Likely pathogenic (1 of 4 stars; one submission).

Conditions:
Fanconi anemia (FA). Also called: Fanconi's anemia. Identifiers: Orphanet 84, MedGen C0015625, MeSH D005199, MONDO:0019391.

Submission:

Labcorp Genetics (formerly Invitae), Labcorp
Classification: Likely pathogenic for Fanconi anemia. Last evaluated: 2021-11-30. Review status: criteria provided, single submitter. Criteria: Invitae Variant Classification Sherloc (09022015). Collection method: clinical testing. Allele origin: germline.
Comment: In summary, the currently available evidence indicates that the variant is pathogenic, but additional data are needed to prove that conclusively. Therefore, this variant has been classified as Likely Pathogenic. Algorithms developed to predict the effect of sequence changes on RNA splicing suggest that this variant may disrupt the consensus splice site. This variant has not been reported in the literature in individuals affected with FANCA-related conditions. This variant is not present in population databases (gnomAD no frequency). This variant results in the deletion of part of exon 3 (c.190-2_203del) of the FANCA gene. It is expected to disrupt RNA splicing. Variants that disrupt the donor or acceptor splice site typically lead to a loss of protein function (PMID: 16199547), and loss-of-function variants in FANCA are known to be pathogenic (PMID: 19367192).

Literature cited by the submitters: PubMed 16199547; PubMed 19367192.